The following is an entry in ClinVar:

ClinVar aggregate classification (germline): Benign/Likely benign. Review status: criteria provided, multiple submitters, no conflicts (2 of 4 stars). 12 submissions from 12 submitters: Benign (10); Likely benign (1). 1 of the submissions does not count toward it. Last evaluated 2026-02-04.

Conditions:
Primary ciliary dyskinesia 13. Also called: CILIARY DYSKINESIA, PRIMARY, 13, WITH OR WITHOUT SITUS INVERSUS. Identifiers: Orphanet 244, MedGen C2750790, MONDO:0013174, OMIM 613193.
Primary ciliary dyskinesia. Also called: Ciliary dyskinesia. Identifiers: Orphanet 244, MedGen C0008780, MONDO:0016575, HP:0012265.

Allele frequency attached by ClinVar (database versions not stated): ESP Exome Variant Server 0.51069; gnomAD 0.51121 and 0.51384; gnomAD exomes 0.51175 and 0.52756; TOPMed 0.52115; 1000 Genomes Project 30x 0.52748; ExAC 0.52799; 1000 Genomes Project 0.53175.
gnomAD v4.1: 826,399 of 1,613,586 alleles (51%); highest among the groups gnomAD compares: South Asian, 58%; 212,260 homozygotes.

Submissions (12):

Labcorp Genetics (formerly Invitae), Labcorp
Classification: Benign for Primary ciliary dyskinesia. Last evaluated: 2026-02-04. Review status: criteria provided, single submitter. Criteria: Invitae Variant Classification Sherloc (09022015). Collection method: clinical testing. Allele origin: germline.

Blueprint Genetics
Classification: Likely benign. Last evaluated: 2024-11-27. Review status: criteria provided, single submitter. Criteria: ACMG Guidelines, 2015. Collection method: clinical testing. Allele origin: germline.

Mayo Clinic Laboratories, Mayo Clinic
Classification: Benign. Last evaluated: 2022-04-26. Review status: criteria provided, single submitter. Criteria: ACMG Guidelines, 2015. Collection method: clinical testing. Allele origin: germline. Observed: 168 variant alleles.

Genome-Nilou Lab
Classification: Benign for Primary ciliary dyskinesia 13. Last evaluated: 2021-07-30. Review status: criteria provided, single submitter. Criteria: ACMG Guidelines, 2015. Collection method: clinical testing. Allele origin: germline. Affected: no.

GeneDx
Classification: Benign. Last evaluated: 2018-11-28. Review status: criteria provided, single submitter. Criteria: GeneDx Variant Classification Process June 2021. Collection method: clinical testing. Allele origin: germline. Affected: yes.

Illumina Laboratory Services, Illumina
Classification: Benign for Primary ciliary dyskinesia 13. Last evaluated: 2018-01-13. Review status: criteria provided, single submitter. Criteria: ICSL Variant Classification Criteria 13 December 2019. Collection method: clinical testing. Allele origin: germline.
Comment: This variant was observed in the ICSL laboratory as part of a predisposition screen in an ostensibly healthy population. It had not been previously curated by ICSL or reported in the Human Gene Mutation Database (HGMD: prior to June 1st, 2018), and was therefore a candidate for classification through an automated scoring system. Utilizing variant allele frequency, disease prevalence and penetrance estimates, and inheritance mode, an automated score was calculated to assess if this variant is too frequent to cause the disease. Based on the score and internal cut-off values, a variant classified as benign is not then subjected to further curation. The score for this variant resulted in a classification of benign for this disease.

Clinical Genetics DNA and cytogenetics Diagnostics Lab, Erasmus MC, Erasmus Medical Center
Classification: Benign for Primary ciliary dyskinesia 13. Last evaluated: 2015-09-21. Review status: criteria provided, single submitter. Criteria: ACGS Guidelines, 2013. Collection method: clinical testing. Allele origin: germline. Affected: yes. Study: VKGL Data-share Consensus.

Ambry Genetics
Classification: Benign for Primary ciliary dyskinesia. Last evaluated: 2014-12-11. Review status: criteria provided, single submitter. Criteria: Ambry Variant Classification Scheme 2023. Collection method: clinical testing. Allele origin: germline.

Laboratory for Molecular Medicine, Mass General Brigham Personalized Medicine
Classification: Benign. Last evaluated: 2013-02-21. Review status: criteria provided, single submitter. Criteria: LMM Criteria. Collection method: clinical testing. Allele origin: germline. Observed: 87 variant alleles.
Comment: Leu598Leu in exon 11 of DNAAF1: This variant is not expected to have clinical si gnificance because it does not alter an amino acid residue and is not located wi thin the splice consensus sequence. It has been identified in 49.1% (4226/8600) of European American chromosomes from a broad population by the NHLBI Exome Sequ encing Project (dbSNP rs2288019).

Breakthrough Genomics
Classification: Benign. Review status: criteria provided, single submitter. Criteria: ACMG Guidelines, 2015. Collection method: not provided. Allele origin: germline. Inheritance: Autosomal recessive inheritance. Affected: yes.

PreventionGenetics, part of Exact Sciences
Classification: Benign. Review status: criteria provided, single submitter. Criteria: ACMG Guidelines, 2015. Collection method: clinical testing. Allele origin: germline.

Diagnostic Laboratory, Department of Genetics, University Medical Center Groningen
Classification: Benign for Primary ciliary dyskinesia 13. Review status: no assertion criteria provided. Collection method: clinical testing. Allele origin: germline. Affected: yes. Study: VKGL Data-share Consensus. Not counted in ClinVar's aggregate classification.

NM_178452.6(DNAAF1):c.1794C>G (p.Leu598=)

Gene: DNAAF1 (dynein axonemal assembly factor 1; plus strand). Cytogenetic location: 16q24.1.
Variant type: single nucleotide variant.
Coding change: c.1794C>G on transcript NM_178452.6 (MANE Select); coding-DNA position 1794, C replaced by G.
Protein change: p.Leu598=; no amino-acid change (leucine 598 retained).
Molecular consequence: synonymous variant.
Genome position (GRCh38, 1-based): chr16:84,176,028, C>G. VCF-style: chr16-84176028-C-G. GRCh37 (hg19) VCF-style: chr16-84209634-C-G.
Other names: p.Leu598=; c.1086C>G, p.Leu362= (NM_001318756.1).
Identifiers: ClinVar variation 163086 (VCV000163086.31), dbSNP rs2288019, ClinGen allele CA175684.